The following is an entry in ClinVar:

NM_003482.4(KMT2D):c.4904T>G (p.Leu1635Arg)

Gene: KMT2D (lysine methyltransferase 2D; minus strand). Cytogenetic location: 12q13.12.
Variant type: single nucleotide variant.
Coding change: c.4904T>G on transcript NM_003482.4 (MANE Select); coding-DNA position 4904, T replaced by G.
Protein change: p.Leu1635Arg; replaces leucine 1635 with arginine.
Molecular consequence: missense variant.
Genome position (GRCh38, 1-based): chr12:49,044,803, A>C on the plus strand (T>G on the coding strand, the complement: KMT2D is on the minus strand). VCF-style: chr12-49044803-A-C. GRCh37 (hg19) VCF-style: chr12-49438586-A-C.
Other names: short protein forms L1635R.
Identifiers: ClinVar variation 4778167 (VCV004778167.1).

ClinVar aggregate classification (germline): Uncertain significance (1 of 4 stars; one submission).

Conditions:
Kabuki syndrome. Also called: NIIKAWA-KUROKI SYNDROME; Kabuki make-up syndrome. Identifiers: Orphanet 2322, MedGen C0796004, MONDO:0016512.

gnomAD v4.1: 3 of 1,614,054 alleles (0.00019%); highest among the groups gnomAD compares: Non-Finnish European, 0.00025%; no homozygotes.

Submission:

Labcorp Genetics (formerly Invitae), Labcorp
Classification: Uncertain significance for Kabuki syndrome. Last evaluated: 2025-02-06. Review status: criteria provided, single submitter. Criteria: Invitae Variant Classification Sherloc (09022015). Collection method: clinical testing. Allele origin: germline.
Comment: This sequence change replaces leucine, which is neutral and non-polar, with arginine, which is basic and polar, at codon 1635 of the KMT2D protein (p.Leu1635Arg). This variant is not present in population databases (gnomAD no frequency). This variant has not been reported in the literature in individuals affected with KMT2D-related conditions. Invitae Evidence Modeling of protein sequence and biophysical properties (such as structural, functional, and spatial information, amino acid conservation, physicochemical variation, residue mobility, and thermodynamic stability) indicates that this missense variant is not expected to disrupt KMT2D protein function with a negative predictive value of 95%. In summary, the available evidence is currently insufficient to determine the role of this variant in disease. Therefore, it has been classified as a Variant of Uncertain Significance.